The following is an entry in ClinVar:

NM_004360.5(CDH1):c.2296-9dup

Gene: CDH1 (cadherin 1; plus strand). Cytogenetic location: 16q22.1.
Variant type: Duplication.
Coding change: c.2296-9dup on transcript NM_004360.5 (MANE Select); 9 bases into the intron before coding-DNA position 2296, one base duplicated (T; older notation c.2296-9dupT).
Molecular consequence: intron variant.
Genome position (GRCh38, 1-based): chr16:68,829,645, T duplicated; the last of 6 consecutive T bases (chr16:68,829,640-68,829,645); duplicating any one gives the same sequence. VCF-style (leftmost placement, unchanged base first): chr16-68829639-C-CT. GRCh37 (hg19) VCF-style: chr16-68863542-C-CT.
Other names: c.748-9dup (NM_001317185.2); c.331-9dup (NM_001317186.2); c.2113-9dup (NM_001317184.2).
Identifiers: ClinVar variation 2023313 (VCV002023313.5), dbSNP rs2543956594, ClinGen allele CA2534988356.
Genomic context (GRCh38, chr16:68,829,639, plus strand): 5'-AAACTGAACATAGCCCTGTGTGTATGACTATTTCTTTCCTACTCTTCATTGTACTTCAAC[C>CT]TTTTTTCTCCAAAGGACTTTGACTTGAGCCAGCTGCACAGGGGCCTGGACGCTCGGCCTG-3'

ClinVar aggregate classification (germline): Benign/Likely benign. Review status: criteria provided, multiple submitters, no conflicts (2 of 4 stars). 2 submissions from 2 submitters: Benign (1); Likely benign (1). Last evaluated 2025-05-27.

Conditions:
Hereditary diffuse gastric adenocarcinoma (HDGC). Also called: DIFFUSE GASTRIC AND LOBULAR BREAST CANCER SYNDROME. Identifiers: Orphanet 26106, MedGen C1708349, MONDO:0007648, OMIM 137215.

Submissions (2):

Labcorp Genetics (formerly Invitae), Labcorp
Classification: Benign for Hereditary diffuse gastric adenocarcinoma. Last evaluated: 2025-05-27. Review status: criteria provided, single submitter. Criteria: Invitae Variant Classification Sherloc (09022015). Collection method: clinical testing. Allele origin: germline.

Myriad Genetics, Inc.
Classification: Likely benign for Hereditary diffuse gastric adenocarcinoma. Last evaluated: 2024-09-23. Review status: criteria provided, single submitter. Criteria: Myriad Autosomal Dominant, Autosomal Recessive and X-Linked Classification Criteria (2023). Collection method: clinical testing. Allele origin: unknown.
Comment: This variant is considered likely benign. This variant is intronic and is not expected to impact mRNA splicing.